The following is an entry in ClinVar:

NM_000384.3(APOB):c.7369C>A (p.Leu2457Met)

Gene: APOB (apolipoprotein B; minus strand). Cytogenetic location: 2p24.1.
Variant type: single nucleotide variant.
Coding change: c.7369C>A on transcript NM_000384.3 (MANE Select); coding-DNA position 7369, C replaced by A.
Protein change: p.Leu2457Met; replaces leucine 2457 with methionine.
Molecular consequence: missense variant.
Genome position (GRCh38, 1-based): chr2:21,009,499, G>T on the plus strand (C>A on the coding strand, the complement: APOB is on the minus strand). VCF-style: chr2-21009499-G-T. GRCh37 (hg19) VCF-style: chr2-21232371-G-T.
Other names: short protein forms L2457M.
Identifiers: ClinVar variation 1758541 (VCV001758541.2), dbSNP rs1572782266, ClinGen allele CA345997304.

ClinVar aggregate classification (germline): Uncertain significance (1 of 4 stars; one submission).

Conditions:
Cardiovascular phenotype. Identifiers: MedGen CN230736.

Submission:

Ambry Genetics
Classification: Uncertain significance for Cardiovascular phenotype. Last evaluated: 2021-06-08. Review status: criteria provided, single submitter. Criteria: Ambry Variant Classification Scheme 2023. Collection method: clinical testing. Allele origin: germline.
Comment: The p.L2457M variant (also known as c.7369C>A), located in coding exon 26 of the APOB gene, results from a C to A substitution at nucleotide position 7369. The leucine at codon 2457 is replaced by methionine, an amino acid with highly similar properties. This amino acid position is not well conserved in available vertebrate species. In addition, this alteration is predicted to be tolerated by in silico analysis. Since supporting evidence is limited at this time, the clinical significance of this alteration remains unclear.